The following is an entry in ClinVar:

ClinVar aggregate classification (germline): Pathogenic (1 of 4 stars; one submission).

Conditions:
Charcot-Marie-Tooth disease recessive intermediate C. Also called: CHARCOT-MARIE-TOOTH NEUROPATHY, RECESSIVE INTERMEDIATE C. Identifiers: Orphanet 369867, MedGen C3809309, MONDO:0014154, OMIM 615376.
Neuronopathy, distal hereditary motor, autosomal recessive 4. Also called: Autosomal recessive lower motor neuron disease with childhood onset; NEUROPATHY, DISTAL HEREDITARY MOTOR, AUTOSOMAL RECESSIVE 4. Identifiers: Orphanet 206580, MedGen C1970211, MONDO:0012608, OMIM 611067.

Submission:

Labcorp Genetics (formerly Invitae), Labcorp
Classification: Pathogenic for Neuronopathy, distal hereditary motor, autosomal recessive 4; Charcot-Marie-Tooth disease recessive intermediate C. Last evaluated: 2018-11-12. Review status: criteria provided, single submitter. Criteria: Invitae Variant Classification Sherloc (09022015). Collection method: clinical testing. Allele origin: germline.
Comment: For these reasons, this variant has been classified as Pathogenic. Loss-of-function variants in PLEKHG5 are known to be pathogenic (PMID: 17564964, 23777631). This variant has not been reported in the literature in individuals with PLEKHG5-related disease. This variant is not present in population databases (ExAC no frequency). This sequence change creates a premature translational stop signal (p.Gly152Trpfs*86) in the PLEKHG5 gene. It is expected to result in an absent or disrupted protein product.

Literature cited by the submitters: PubMed 17564964; PubMed 23777631.

NM_020631.6(PLEKHG5):c.453_543del (p.Gly152fs)

Gene: PLEKHG5 (pleckstrin homology and RhoGEF domain containing G5; minus strand). Cytogenetic location: 1p36.31.
Variant type: Deletion.
Coding change: c.453_543del on transcript NM_020631.6 (MANE Select); coding-DNA positions 453 to 543, 91 bases deleted.
Protein change: p.Gly152fs; shifts the reading frame from glycine 152.
Molecular consequence: frameshift variant.
Genome position (GRCh38, 1-based): chr1:6,474,061-6,474,151, 91 bases deleted. GRCh37 (hg19): chr1:6,534,124-6,534,214.
Other names: c.564_654del, p.Gly189fs (NM_001042663.3, NM_001265592.2); c.450_540del91, p.Gly152Trpfs (NM_001042664.2, NM_001042665.2, NM_001265594.3); c.657_747del91, p.Gly221Trpfs (NM_001265593.2); c.453_543del, p.Gly152fs (NM_198681.4); short protein forms G152fs, G221fs, G189fs.
Identifiers: ClinVar variation 663141 (VCV000663141.7), dbSNP rs1569875704, ClinGen allele CA915941107.